The following is an entry in ClinVar:

ClinVar aggregate classification (germline): Likely benign (1 of 4 stars; one submission).

gnomAD v4.1: 335 of 1,613,938 alleles (0.021%); highest among the groups gnomAD compares: Admixed American, 0.13%; no homozygotes.

Submission:

CeGaT Center for Human Genetics Tuebingen
Classification: Likely benign. Last evaluated: 2026-03-01. Review status: criteria provided, single submitter. Criteria: CeGaT Center For Human Genetics Tuebingen Variant Classification Criteria Version 2. Collection method: clinical testing. Allele origin: germline. Affected: yes. Observed: 2 variant alleles.
Comment: EVI2B: BP4, BP7

NM_006495.4(EVI2B):c.789C>T (p.Ser263=)

Genes: EVI2B (ecotropic viral integration site 2B; minus strand), NF1 (neurofibromin 1; plus strand). Cytogenetic location: 17q11.2.
Variant type: single nucleotide variant.
Coding change: c.789C>T on transcript NM_006495.4 (MANE Select); coding-DNA position 789, C replaced by T.
Protein change: p.Ser263=; no amino-acid change (serine 263 retained).
Molecular consequence: synonymous variant. On other transcripts: intron variant (2).
Genome position (GRCh38, 1-based): chr17:31,304,821, G>A on the plus strand (C>T on the coding strand, the complement: EVI2B is on the minus strand). VCF-style: chr17-31304821-G-A. GRCh37 (hg19) VCF-style: chr17-29631839-G-A.
Other names: c.4836-20999G>A (NM_001042492.3); c.4773-20999G>A (NM_000267.4).
Identifiers: ClinVar variation 3388271 (VCV003388271.14).